The following is an entry in ClinVar:

ClinVar aggregate classification (germline): Uncertain significance (1 of 4 stars; one submission).

Conditions:
Inborn genetic diseases. Identifiers: MedGen C0950123, MeSH D030342.

Submission:

Ambry Genetics
Classification: Uncertain significance for Inborn genetic diseases. Last evaluated: 2026-07-02. Review status: criteria provided, single submitter. Criteria: Ambry Variant Classification Scheme 2023. Collection method: clinical testing. Allele origin: germline.
Comment: The p.S186T variant (also known as c.557G>C), located in coding exon 2 of the GATA2 gene, results from a G to C substitution at nucleotide position 557. The serine at codon 186 is replaced by threonine, an amino acid with similar properties. This amino acid position is conserved. In addition, the in silico prediction for this alteration is inconclusive. Based on the available evidence, the clinical significance of this variant remains unclear.

NM_032638.5(GATA2):c.557G>C (p.Ser186Thr)

Gene: GATA2 (GATA binding protein 2; minus strand). Cytogenetic location: 3q21.3.
Variant type: single nucleotide variant.
Coding change: c.557G>C on transcript NM_032638.5 (MANE Select); coding-DNA position 557, G replaced by C.
Protein change: p.Ser186Thr; replaces serine 186 with threonine.
Molecular consequence: missense variant.
Genome position (GRCh38, 1-based): chr3:128,486,041, C>G on the plus strand (G>C on the coding strand, the complement: GATA2 is on the minus strand). VCF-style: chr3-128486041-C-G. GRCh37 (hg19) VCF-style: chr3-128204884-C-G.
Other names: c.557G>C, p.Ser186Thr (NM_001145661.2, NM_001145662.1); short protein forms S186T.
Identifiers: ClinVar variation 5022184 (VCV005022184.1).